The following is an entry in ClinVar:

NM_212550.5(BLOC1S3):c.385_403del (p.Ser129fs)

Gene: BLOC1S3 (biogenesis of lysosomal organelles complex 1 subunit 3; plus strand). Cytogenetic location: 19q13.32.
Variant type: Deletion.
Coding change: c.385_403del on transcript NM_212550.5 (MANE Select); coding-DNA positions 385 to 403, 19 bases deleted (AGCGGTGTCTACCGCCGTG).
Protein change: p.Ser129fs; shifts the reading frame from serine 129.
Molecular consequence: frameshift variant.
Genome position (GRCh38, 1-based): chr19:45,179,681-45,179,699, AGCGGTGTCTACCGCCGTG deleted; deleting any 19 consecutive bases within chr19:45,179,673-45,179,699 gives the same sequence; the c. name uses the placement nearest the transcript's 3' end. VCF-style (leftmost placement, unchanged base first): chr19-45179672-GCCGCCGTGAGCGGTGTCTA-G. GRCh37 (hg19) VCF-style: chr19-45682930-GCCGCCGTGAGCGGTGTCTA-G.
Other names: short protein forms S129fs.
Identifiers: ClinVar variation 929862 (VCV000929862.3), dbSNP rs1969482515, ClinGen allele CA1139532283.

ClinVar aggregate classification (germline): Pathogenic (0 of 4 stars; one submission).

Conditions:
Hermansky-Pudlak syndrome 8 (HPS8). Identifiers: Orphanet 79430, MedGen C3888026, MONDO:0013560, OMIM 614077.

Submission:

Laboratoire de Génétique Moléculaire, CHU Bordeaux
Classification: Pathogenic for Hermansky-Pudlak syndrome 8. Last evaluated: 2020-03-30. Review status: no assertion criteria provided. Collection method: clinical testing. Allele origin: germline. Inheritance: Autosomal recessive inheritance. Affected: yes. Observed: 2 variant alleles, 2 homozygotes. Clinical features observed: Persistent bleeding after trauma (HP:0001934), Albinism (HP:0001022).
Comment: Platelet aggregation was then tested and low aggregation due to platelet dense granule deficit was observed. A homozygous 19bp frameshift deletion was found in the coding sequence of the BLOC1S3 gene NM_212550.3:c.385_403del p.(Ser129Glnfs*90), resulting in a premature stop codon 90 bp downstream. This deletion is not reported in the GnomAD or EVS databases. ACMG Classification is in favor of a pathogenic variant (PVS1, PM2, PP1).

Literature cited by the submitters: PubMed 29345414.